The following is an entry in ClinVar:

ClinVar aggregate classification (germline): Uncertain significance (1 of 4 stars; one submission).

Submission:

Labcorp Genetics (formerly Invitae), Labcorp
Classification: Uncertain significance. Last evaluated: 2022-08-21. Review status: criteria provided, single submitter. Criteria: Invitae Variant Classification Sherloc (09022015). Collection method: clinical testing. Allele origin: germline.
Comment: In summary, the available evidence is currently insufficient to determine the role of this variant in disease. Therefore, it has been classified as a Variant of Uncertain Significance. Algorithms developed to predict the effect of missense changes on protein structure and function are either unavailable or do not agree on the potential impact of this missense change (SIFT: "Deleterious"; PolyPhen-2: "Benign"; Align-GVGD: "Class C0"). This variant has not been reported in the literature in individuals affected with GLIS3-related conditions. This variant is not present in population databases (gnomAD no frequency). This sequence change replaces methionine, which is neutral and non-polar, with isoleucine, which is neutral and non-polar, at codon 256 of the GLIS3 protein (p.Met256Ile).

NM_001042413.2(GLIS3):c.1233G>C (p.Met411Ile)

Gene: GLIS3 (GLIS family zinc finger 3; minus strand). Cytogenetic location: 9p24.2.
Variant type: single nucleotide variant.
Coding change: c.1233G>C on transcript NM_001042413.2 (MANE Select); coding-DNA position 1233, G replaced by C.
Protein change: p.Met411Ile; replaces methionine 411 with isoleucine.
Molecular consequence: missense variant.
Genome position (GRCh38, 1-based): chr9:4,118,245, C>G on the plus strand (G>C on the coding strand, the complement: GLIS3 is on the minus strand). VCF-style: chr9-4118245-C-G. GRCh37 (hg19) VCF-style: chr9-4118245-C-G.
Other names: c.768G>C, p.Met256Ile (NM_152629.4); short protein forms M256I, M411I.
Identifiers: ClinVar variation 1717384 (VCV001717384.5), dbSNP rs2489957759, ClinGen allele CA372807052.
Genomic context (GRCh38, chr9:4,118,245, plus strand): 5'-TTCGGTCTTGAACAGGCCGGCCGACTGGCTGTCGGGGCCCGGCAGGCCATGCTGCACCAC[C>G]ATGTGGTTGACCAGGCCTGGCTGCAGGCCGCCGTGCTCCAGCTGTTGCATGCGCTCGTGC-3'
Protein context (NP_001035878.1, residues 401-421): GGLQPGLVNH[Met411Ile]VVQHGLPGPD